The following is an entry in ClinVar:

ClinVar aggregate classification (germline): Likely benign (1 of 4 stars; one submission).

gnomAD v4.1: 6,045 of 1,611,900 alleles (0.38%); highest among the groups gnomAD compares: Non-Finnish European, 0.44%; 17 homozygotes.

Submission:

CeGaT Center for Human Genetics Tuebingen
Classification: Likely benign. Last evaluated: 2026-06-01. Review status: criteria provided, single submitter. Criteria: CeGaT Center For Human Genetics Tuebingen Variant Classification Criteria Version 2. Collection method: clinical testing. Allele origin: germline. Affected: yes. Observed: 3 variant alleles.
Comment: TMEM63C: BP4, BS2

NM_020431.4(TMEM63C):c.1001G>A (p.Arg334His)

Gene: TMEM63C (transmembrane protein 63C; plus strand). Cytogenetic location: 14q24.3.
Variant type: single nucleotide variant.
Coding change: c.1001G>A on transcript NM_020431.4 (MANE Select); coding-DNA position 1001, G replaced by A.
Protein change: p.Arg334His; replaces arginine 334 with histidine.
Molecular consequence: missense variant.
Genome position (GRCh38, 1-based): chr14:77,240,545, G>A. VCF-style: chr14-77240545-G-A. GRCh37 (hg19) VCF-style: chr14-77706888-G-A.
Other names: short protein forms R334H.
Identifiers: ClinVar variation 4820681 (VCV004820681.4).